The following is an entry in ClinVar:

NM_005188.4(CBL):c.2219A>G (p.Gln740Arg)

Gene: CBL (Cbl proto-oncogene; plus strand). Cytogenetic location: 11q23.3.
Variant type: single nucleotide variant.
Coding change: c.2219A>G on transcript NM_005188.4 (MANE Select); coding-DNA position 2219, A replaced by G.
Protein change: p.Gln740Arg; replaces glutamine 740 with arginine.
Molecular consequence: missense variant.
Genome position (GRCh38, 1-based): chr11:119,297,449, A>G. VCF-style: chr11-119297449-A-G. GRCh37 (hg19) VCF-style: chr11-119168159-A-G.
Other names: short protein forms Q740R.
Identifiers: ClinVar variation 4868229 (VCV004868229.1).

ClinVar aggregate classification (germline): Uncertain significance (1 of 4 stars; one submission).

Conditions:
Cardiovascular phenotype. Identifiers: MedGen CN230736.

Submission:

Ambry Genetics
Classification: Uncertain significance for Cardiovascular phenotype. Last evaluated: 2026-04-18. Review status: criteria provided, single submitter. Criteria: Ambry Variant Classification Scheme 2023. Collection method: clinical testing. Allele origin: germline.
Comment: The p.Q740R variant (also known as c.2219A>G), located in coding exon 14 of the CBL gene, results from an A to G substitution at nucleotide position 2219. The glutamine at codon 740 is replaced by arginine, an amino acid with highly similar properties. This amino acid position is conserved. In addition, the in silico prediction for this alteration is inconclusive. Based on the available evidence, the clinical significance of this variant remains unclear.